The following is an entry in ClinVar:

NM_000350.3(ABCA4):c.969G>A (p.Leu323=)

Gene: ABCA4 (ATP binding cassette subfamily A member 4; minus strand). Cytogenetic location: 1p22.1.
Variant type: single nucleotide variant.
Coding change: c.969G>A on transcript NM_000350.3 (MANE Select); coding-DNA position 969, G replaced by A.
Protein change: p.Leu323=; no amino-acid change (leucine 323 retained).
Molecular consequence: synonymous variant.
Genome position (GRCh38, 1-based): chr1:94,080,608, C>T on the plus strand (G>A on the coding strand, the complement: ABCA4 is on the minus strand). VCF-style: chr1-94080608-C-T. GRCh37 (hg19) VCF-style: chr1-94546164-C-T.
Other names: c.969G>A, p.Leu323= (NM_001425324.1); c.969G>A (NM_000350.2).
Identifiers: ClinVar variation 1094541 (VCV001094541.11), dbSNP rs371139191, ClinGen allele CA958670.

ClinVar aggregate classification (germline): Likely benign. Review status: criteria provided, multiple submitters, no conflicts (2 of 4 stars). 4 submissions from 4 submitters: Likely benign (4). Last evaluated 2025-11-15.

Conditions:
ABCA4-related disorder. Also called: ABCA4-related disorders; ABCA4-related condition. Identifiers: MedGen CN239167.

Allele frequency attached by ClinVar (database versions not stated): ExAC 0.00003; TOPMed 0.00012; gnomAD 0.00014; 1000 Genomes Project 0.00020; ESP Exome Variant Server 0.00023; 1000 Genomes Project 30x 0.00031.
gnomAD v4.1: 46 of 1,614,190 alleles (0.0028%); highest among the groups gnomAD compares: African/African-American, 0.045%; no homozygotes.

Submissions (4):

Labcorp Genetics (formerly Invitae), Labcorp
Classification: Likely benign. Last evaluated: 2025-11-15. Review status: criteria provided, single submitter. Criteria: Invitae Variant Classification Sherloc (09022015). Collection method: clinical testing. Allele origin: germline.

PreventionGenetics, part of Exact Sciences
Classification: Likely benign for ABCA4-related condition. Last evaluated: 2024-11-03. Review status: criteria provided, single submitter. Criteria: ACMG Guidelines, 2015. Collection method: clinical testing. Allele origin: germline.
Comment: This variant is classified as likely benign based on ACMG/AMP sequence variant interpretation guidelines (Richards et al. 2015 PMID: 25741868, with internal and published modifications).

Blueprint Genetics
Classification: Likely benign. Last evaluated: 2021-12-28. Review status: criteria provided, single submitter. Criteria: ACMG Guidelines, 2015. Collection method: clinical testing. Allele origin: germline.

Breakthrough Genomics
Classification: Likely benign. Review status: criteria provided, single submitter. Criteria: ACMG Guidelines, 2015. Collection method: not provided. Allele origin: germline. Inheritance: Autosomal recessive inheritance. Affected: yes.